The following is an entry in ClinVar:

NM_182914.3(SYNE2):c.1860G>C (p.Gln620His)

Gene: SYNE2 (spectrin repeat containing nuclear envelope protein 2; plus strand). Cytogenetic location: 14q23.2.
Variant type: single nucleotide variant.
Coding change: c.1860G>C on transcript NM_182914.3 (MANE Select); coding-DNA position 1860, G replaced by C.
Protein change: p.Gln620His; replaces glutamine 620 with histidine.
Molecular consequence: missense variant.
Genome position (GRCh38, 1-based): chr14:63,982,653, G>C. VCF-style: chr14-63982653-G-C. GRCh37 (hg19) VCF-style: chr14-64449371-G-C.
Other names: c.1860G>C, p.Gln620His (NM_015180.6); short protein forms Q620H.
Identifiers: ClinVar variation 2958226 (VCV002958226.3), dbSNP rs1488827425, ClinGen allele CA389962664.

ClinVar aggregate classification (germline): Uncertain significance (1 of 4 stars; one submission).

Conditions:
Emery-Dreifuss muscular dystrophy 5, autosomal dominant (EDMD5). Also called: EMERY-DREIFUSS MUSCULAR DYSTROPHY 5. Identifiers: Orphanet 261, MedGen C2751805, MONDO:0013072, OMIM 612999.

Allele frequency attached by ClinVar (database versions not stated): gnomAD exomes 0.00001.
gnomAD v4.1: 3 of 1,614,064 alleles (0.00019%); highest among the groups gnomAD compares: Non-Finnish European, 0.00025%; no homozygotes.

Submission:

Labcorp Genetics (formerly Invitae), Labcorp
Classification: Uncertain significance for Emery-Dreifuss muscular dystrophy 5, autosomal dominant. Last evaluated: 2023-04-29. Review status: criteria provided, single submitter. Criteria: Invitae Variant Classification Sherloc (09022015). Collection method: clinical testing. Allele origin: germline.
Comment: In summary, the available evidence is currently insufficient to determine the role of this variant in disease. Therefore, it has been classified as a Variant of Uncertain Significance. An algorithm developed to predict the effect of missense changes on protein structure and function (PolyPhen-2) suggests that this variant is likely to be disruptive. This variant has not been reported in the literature in individuals affected with SYNE2-related conditions. This variant is not present in population databases (gnomAD no frequency). This sequence change replaces glutamine, which is neutral and polar, with histidine, which is basic and polar, at codon 620 of the SYNE2 protein (p.Gln620His).